The following is an entry in ClinVar:

NM_001048174.2(MUTYH):c.850-13C>A

Gene: MUTYH (mutY DNA glycosylase; minus strand). Cytogenetic location: 1p34.1.
Variant type: single nucleotide variant.
Coding change: c.850-13C>A on transcript NM_001048174.2 (MANE Select); 13 bases into the intron before coding-DNA position 850, C replaced by A.
Molecular consequence: intron variant.
Genome position (GRCh38, 1-based): chr1:45,332,099, G>T on the plus strand (C>A on the coding strand, the complement: MUTYH is on the minus strand). VCF-style: chr1-45332099-G-T. GRCh37 (hg19) VCF-style: chr1-45797771-G-T.
Other names: c.505-13C>A (NM_001350651.2, NM_001350650.2); c.574-13C>A (NM_001293192.2, NM_001293196.2); c.850-13C>A (NM_001048171.2, NM_001048173.2, NM_001293195.2); c.895-13C>A (NM_001293190.2); c.925-13C>A (NM_012222.3); c.934-13C>A (NM_001128425.2); c.853-13C>A (NM_001048172.2); c.883-13C>A (NM_001293191.2).
Identifiers: ClinVar variation 1554987 (VCV001554987.9), dbSNP rs2149135348, ClinGen allele CA2573132055.

ClinVar aggregate classification (germline): Conflicting classifications of pathogenicity. Review status: criteria provided, conflicting classifications (1 of 4 stars). 2 submissions from 2 submitters: Uncertain significance (1); Likely benign (1). Last evaluated 2024-02-22.

Conditions:
Familial adenomatous polyposis 2. Also called: MUTYH-associated polyposis; MUTYH-related attenuated familial adenomatous polyposis; COLORECTAL ADENOMATOUS POLYPOSIS, AUTOSOMAL RECESSIVE; ADENOMAS, MULTIPLE COLORECTAL, AUTOSOMAL RECESSIVE; FAP type 2; MUTYH Polyposis. Identifiers: Orphanet 220460, Orphanet 247798, MedGen C3272841, MONDO:0012041, OMIM 608456.

Submissions (2):

All of Us Research Program, National Institutes of Health
Classification: Uncertain significance for Familial adenomatous polyposis 2. Last evaluated: 2024-02-22. Review status: criteria provided, single submitter. Criteria: ACMG Guidelines, 2015. Collection method: clinical testing. Allele origin: germline. Inheritance: Autosomal recessive inheritance. Observed: 1 variant allele, 1 heterozygote.
Comment: This variant causes a C to A nucleotide substitution at the -13 position of intron 10 of the MUTYH gene. To our knowledge, functional studies have not been reported for this variant. This variant has not been reported in individuals affected with MUTYH-related disorders in the literature. This variant has not been identified in the general population by the Genome Aggregation Database (gnomAD). The available evidence is insufficient to determine the role of this variant in disease conclusively. Therefore, this variant is classified as a Variant of Uncertain Significance.

This study involves interpretation of variants in research participants for the purpose of population health screening. Participant phenotype was not available at the time of variant classification. Additional details can be found in publication PMID: 35346344, PMCID: PMC8962531

Labcorp Genetics (formerly Invitae), Labcorp
Classification: Likely benign for Familial adenomatous polyposis 2. Last evaluated: 2021-04-28. Review status: criteria provided, single submitter. Criteria: Invitae Variant Classification Sherloc (09022015). Collection method: clinical testing. Allele origin: germline.